The following is an entry in ClinVar:

ClinVar aggregate classification (germline): Pathogenic (1 of 4 stars; one submission).

Submission:

Labcorp Genetics (formerly Invitae), Labcorp
Classification: Pathogenic. Last evaluated: 2024-07-19. Review status: criteria provided, single submitter. Criteria: Invitae Variant Classification Sherloc (09022015). Collection method: clinical testing. Allele origin: germline.
Comment: This sequence change creates a premature translational stop signal (p.Glu1032Glyfs*8) in the ADCY10 gene. It is expected to result in an absent or disrupted protein product. Loss-of-function variants in ADCY10 are known to be pathogenic (PMID: 31119281). This variant is present in population databases (rs774347252, gnomAD 0.0009%). This variant has not been reported in the literature in individuals affected with ADCY10-related conditions. For these reasons, this variant has been classified as Pathogenic.

Literature cited by the submitters: PubMed 31119281.

NM_018417.6(ADCY10):c.3094dup (p.Glu1032fs)

Gene: ADCY10 (adenylate cyclase 10; minus strand). Cytogenetic location: 1q24.2.
Variant type: Duplication.
Coding change: c.3094dup on transcript NM_018417.6 (MANE Select); coding-DNA position 3094, one base duplicated (G; older notation c.3094dupG).
Protein change: p.Glu1032fs; shifts the reading frame from glutamic acid 1032.
Molecular consequence: frameshift variant.
Genome position (GRCh38, 1-based): chr1:167,836,524, C duplicated on the plus strand (G on the coding strand, the reverse complement: ADCY10 is on the minus strand). VCF-style (leftmost placement, unchanged base first): chr1-167836523-T-TC. GRCh37 (hg19) VCF-style: chr1-167805761-T-TC.
Other names: c.2635dup, p.Glu879fs (NM_001167749.3); c.2818dup, p.Glu940fs (NM_001297772.2); short protein forms E1032fs, E879fs, E940fs.
Identifiers: ClinVar variation 3614616 (VCV003614616.2).